The following is an entry in ClinVar:

ClinVar aggregate classification (germline): Uncertain significance (1 of 4 stars; one submission).

Conditions:
Juvenile polyposis syndrome (JPS). Identifiers: Orphanet 2929, MedGen C0345893, MONDO:0017380, OMIM 174900.

Submission:

Labcorp Genetics (formerly Invitae), Labcorp
Classification: Uncertain significance for Juvenile polyposis syndrome. Last evaluated: 2024-03-15. Review status: criteria provided, single submitter. Criteria: Invitae Variant Classification Sherloc (09022015). Collection method: clinical testing. Allele origin: germline.
Comment: This sequence change replaces valine, which is neutral and non-polar, with isoleucine, which is neutral and non-polar, at codon 44 of the SMAD4 protein (p.Val44Ile). This variant is present in population databases (rs746732669, gnomAD 0.0009%). This variant has not been reported in the literature in individuals affected with SMAD4-related conditions. Advanced modeling of protein sequence and biophysical properties (such as structural, functional, and spatial information, amino acid conservation, physicochemical variation, residue mobility, and thermodynamic stability) has been performed at Invitae for this missense variant, however the output from this modeling did not meet the statistical confidence thresholds required to predict the impact of this variant on SMAD4 protein function. In summary, the available evidence is currently insufficient to determine the role of this variant in disease. Therefore, it has been classified as a Variant of Uncertain Significance.

NM_005359.6(SMAD4):c.130G>A (p.Val44Ile)

Gene: SMAD4 (SMAD family member 4; plus strand). Cytogenetic location: 18q21.2.
Variant type: single nucleotide variant.
Coding change: c.130G>A on transcript NM_005359.6 (MANE Select); coding-DNA position 130, G replaced by A.
Protein change: p.Val44Ile; replaces valine 44 with isoleucine.
Molecular consequence: missense variant. On other transcripts: non-coding transcript variant (2).
Genome position (GRCh38, 1-based): chr18:51,047,176, G>A. VCF-style: chr18-51047176-G-A. GRCh37 (hg19) VCF-style: chr18-48573546-G-A.
Other names: c.130G>A, p.Val44Ile (NM_001407041.1, NM_001407042.1, NM_001407043.1); short protein forms V44I.
Identifiers: ClinVar variation 3637560 (VCV003637560.2).